The following is an entry in ClinVar:

ClinVar aggregate classification (germline): Uncertain significance (1 of 4 stars; one submission).

Submission:

Dasa
Classification: Uncertain significance. Last evaluated: 2026-04-22. Review status: criteria provided, single submitter. Criteria: DASA Assertion Criteria. Collection method: clinical testing. Allele origin: germline.
Comment: NM_004006.3(DMD):c.5282A>G (p.Asn1761Ser) is a missense variant that results in the substitution of asparagine with serine. This variant is rare in population databases. The currently available literature and clinical evidence are not sufficient to establish a definitive association between this variant and the reported condition. Therefore, this variant is classified as a variant of uncertain significance.

NM_004006.3(DMD):c.5282A>G (p.Asn1761Ser)

Gene: DMD (dystrophin; minus strand). Cytogenetic location: Xp21.1.
Variant type: single nucleotide variant.
Coding change: c.5282A>G on transcript NM_004006.3 (MANE Select); coding-DNA position 5282, A replaced by G.
Protein change: p.Asn1761Ser; replaces asparagine 1761 with serine.
Molecular consequence: missense variant.
Genome position (GRCh38, 1-based): chrX:32,362,831, T>C on the plus strand (A>G on the coding strand, the complement: DMD is on the minus strand). VCF-style: chrX-32362831-T-C. GRCh37 (hg19) VCF-style: chrX-32380948-T-C.
Other names: c.5258A>G, p.Asn1753Ser (NM_000109.4); c.5270A>G, p.Asn1757Ser (NM_004009.3); c.4913A>G, p.Asn1638Ser (NM_004010.3); c.1259A>G, p.Asn420Ser (NM_004011.4); c.1250A>G, p.Asn417Ser (NM_004012.4); short protein forms N1638S, N1753S, N1757S, N1761S, N417S, N420S.
Identifiers: ClinVar variation 4885529 (VCV004885529.2).